The following is an entry in ClinVar:

ClinVar aggregate classification (germline): Uncertain significance (1 of 4 stars; one submission).

Submission:

Ambry Genetics
Classification: Uncertain significance. Last evaluated: 2023-05-28. Review status: criteria provided, single submitter. Criteria: Ambry Variant Classification Scheme 2023. Collection method: clinical testing. Allele origin: germline.
Comment: The p.K35T variant (also known as c.104A>C), located in coding exon 2 of the NPAT gene, results from an A to C substitution at nucleotide position 104. The lysine at codon 35 is replaced by threonine, an amino acid with similar properties. This amino acid position is conserved. In addition, the in silico prediction for this alteration is inconclusive. Since supporting evidence is limited at this time, the clinical significance of this alteration remains unclear.

NM_002519.3(NPAT):c.104A>C (p.Lys35Thr)

Gene: NPAT (nuclear protein, coactivator of histone transcription; minus strand). Cytogenetic location: 11q22.3.
Variant type: single nucleotide variant.
Coding change: c.104A>C on transcript NM_002519.3 (MANE Select); coding-DNA position 104, A replaced by C.
Protein change: p.Lys35Thr; replaces lysine 35 with threonine.
Molecular consequence: missense variant.
Genome position (GRCh38, 1-based): chr11:108,197,354, T>G on the plus strand (A>C on the coding strand, the complement: NPAT is on the minus strand). VCF-style: chr11-108197354-T-G. GRCh37 (hg19) VCF-style: chr11-108068081-T-G.
Other names: c.104A>C, p.Lys35Thr (NM_001321307.1); short protein forms K35T.
Identifiers: ClinVar variation 2562542 (VCV002562542.2), dbSNP rs2496760107, ClinGen allele CA382528228.
Genomic context (GRCh38, chr11:108,197,354, plus strand): 5'-TAACTCACCAGTAAGCAGGCTGGAATAAACCCTTCATCTGTACAATGTTCTGCATATTCT[T>G]TTAAATCTGAACTTTCCAAAATAAAAGTCTGGCAGGTAGAAATGAGGTTTTCTTGCTGTA-3'
Protein context (NP_002510.2, residues 25-45): QTFILESSDL[Lys35Thr]EYAEHCTDEG